The following is an entry in ClinVar:

ClinVar aggregate classification (germline): Uncertain significance. Review status: criteria provided, multiple submitters, no conflicts (2 of 4 stars). 4 submissions from 4 submitters: Uncertain significance (4). Last evaluated 2025-08-01.

Conditions:
IMPG2-related disorder. Also called: IMPG2-related condition.
Inborn genetic diseases. Identifiers: MedGen C0950123, MeSH D030342.

Allele frequency attached by ClinVar (database versions not stated): ExAC 0.00001; gnomAD 0.00001 and 0.00002; gnomAD exomes 0.00001 and 0.00008; TOPMed 0.00002.
gnomAD v4.1: 115 of 1,613,872 alleles (0.0071%); highest among the groups gnomAD compares: Non-Finnish European, 0.0093%; no homozygotes.

Submissions (4):

PreventionGenetics, part of Exact Sciences
Classification: Uncertain significance for IMPG2-related condition. Last evaluated: 2025-08-01. Review status: criteria provided, single submitter. Criteria: ACMG Guidelines, 2015. Collection method: clinical testing. Allele origin: germline.
Comment: The IMPG2 c.2114A>G variant is predicted to result in the amino acid substitution p.His705Arg. To our knowledge, this variant has not been reported in the literature. This variant is present in 0.0040% of alleles in individuals of African descent in gnomAD. At this time, the clinical significance of this variant is uncertain due to the absence of conclusive functional and genetic evidence.

Ambry Genetics
Classification: Uncertain significance for Inborn genetic diseases. Last evaluated: 2024-06-16. Review status: criteria provided, single submitter. Criteria: Ambry Variant Classification Scheme 2023. Collection method: clinical testing. Allele origin: germline.

Labcorp Genetics (formerly Invitae), Labcorp
Classification: Uncertain significance. Last evaluated: 2021-02-15. Review status: criteria provided, single submitter. Criteria: Invitae Variant Classification Sherloc (09022015). Collection method: clinical testing. Allele origin: germline.
Comment: In summary, the available evidence is currently insufficient to determine the role of this variant in disease. Therefore, it has been classified as a Variant of Uncertain Significance. Algorithms developed to predict the effect of missense changes on protein structure and function (SIFT, PolyPhen-2, Align-GVGD) all suggest that this variant is likely to be tolerated, but these predictions have not been confirmed by published functional studies and their clinical significance is uncertain. This variant has not been reported in the literature in individuals with IMPG2-related conditions. ClinVar contains an entry for this variant (Variation ID: 497415). This variant is present in population databases (rs761348424, ExAC 0.002%). This sequence change replaces histidine with arginine at codon 705 of the IMPG2 protein (p.His705Arg). The histidine residue is moderately conserved and there is a small physicochemical difference between histidine and arginine.

Eurofins Ntd Llc (ga)
Classification: Uncertain significance. Last evaluated: 2016-10-03. Review status: criteria provided, single submitter. Criteria: EGL Classification Definitions 2015. Collection method: clinical testing. Allele origin: germline. Observed: 1 variant allele, 1 heterozygote.

NM_016247.4(IMPG2):c.2114A>G (p.His705Arg)

Gene: IMPG2 (interphotoreceptor matrix proteoglycan 2; minus strand). Cytogenetic location: 3q12.3.
Variant type: single nucleotide variant.
Coding change: c.2114A>G on transcript NM_016247.4 (MANE Select); coding-DNA position 2114, A replaced by G.
Protein change: p.His705Arg; replaces histidine 705 with arginine.
Molecular consequence: missense variant.
Genome position (GRCh38, 1-based): chr3:101,244,217, T>C on the plus strand (A>G on the coding strand, the complement: IMPG2 is on the minus strand). VCF-style: chr3-101244217-T-C. GRCh37 (hg19) VCF-style: chr3-100963061-T-C.
Other names: c.2114A>G (NM_016247.3); short protein forms H705R.
Identifiers: ClinVar variation 497415 (VCV000497415.14), dbSNP rs761348424, ClinGen allele CA2519039.